The following is an entry in ClinVar:

ClinVar aggregate classification (germline): Uncertain significance. Review status: criteria provided, multiple submitters, no conflicts (2 of 4 stars). 3 submissions from 3 submitters: Uncertain significance (3). Last evaluated 2026-04-30.

Conditions:
PIEZO2-related disorder. Also called: PIEZO2-related condition; PIEZO2-related disorders.

Allele frequency attached by ClinVar (database versions not stated): gnomAD 0.00001; gnomAD exomes 0.00003.
gnomAD v4.1: 130 of 1,537,052 alleles (0.0085%); highest among the groups gnomAD compares: Non-Finnish European, 0.011%; no homozygotes.

Submissions (3):

PreventionGenetics, part of Exact Sciences
Classification: Uncertain significance for PIEZO2-related condition. Last evaluated: 2026-04-30. Review status: criteria provided, single submitter. Criteria: ACMG Guidelines, 2015. Collection method: clinical testing. Allele origin: germline.
Comment: The PIEZO2 c.4140G>C variant is predicted to result in the amino acid substitution p.Trp1380Cys. To our knowledge, this variant has not been reported in the literature. This variant is reported in 0.0069% of alleles in individuals of European (Non-Finnish) descent in gnomAD. However, in gnomAD v4 (available only on GRCh38), this variant is reported in 130 alleles globally, which is likely too common for a highly penetrant pathogenic variant in autosomal dominant disorder. At this time, the clinical significance of this variant is uncertain due to the absence of conclusive functional and genetic evidence.

GeneDx
Classification: Uncertain significance. Last evaluated: 2026-01-18. Review status: criteria provided, single submitter. Criteria: GeneDx Variant Classification Process June 2021. Collection method: clinical testing. Allele origin: germline.
Comment: In silico analysis supports that this missense variant has a deleterious effect on protein structure/function; Has not been previously published as pathogenic or benign to our knowledge

CeGaT Center for Human Genetics Tuebingen
Classification: Uncertain significance. Last evaluated: 2023-11-01. Review status: criteria provided, single submitter. Criteria: CeGaT Center For Human Genetics Tuebingen Variant Classification Criteria Version 2. Collection method: clinical testing. Allele origin: germline. Affected: yes. Observed: 1 variant allele.
Comment: PIEZO2: PM2

NM_001378183.1(PIEZO2):c.4215G>C (p.Trp1405Cys)

Gene: PIEZO2 (piezo type mechanosensitive ion channel component 2; minus strand). Cytogenetic location: 18p11.22.
Variant type: single nucleotide variant.
Coding change: c.4215G>C on transcript NM_001378183.1 (MANE Select); coding-DNA position 4215, G replaced by C.
Protein change: p.Trp1405Cys; replaces tryptophan 1405 with cysteine.
Molecular consequence: missense variant.
Genome position (GRCh38, 1-based): chr18:10,750,140, C>G on the plus strand (G>C on the coding strand, the complement: PIEZO2 is on the minus strand). VCF-style: chr18-10750140-C-G. GRCh37 (hg19) VCF-style: chr18-10750138-C-G.
Other names: c.4140G>C, p.Trp1380Cys (NM_022068.4); c.4140G>C (NM_022068.3); short protein forms W1380C, W1405C.
Identifiers: ClinVar variation 1699563 (VCV001699563.27), dbSNP rs778876785, ClinGen allele CA296024224.